The following is an entry in ClinVar:

ClinVar aggregate classification (germline): Likely benign (1 of 4 stars; one submission).

Submission:

CeGaT Center for Human Genetics Tuebingen
Classification: Likely benign. Last evaluated: 2026-05-01. Review status: criteria provided, single submitter. Criteria: CeGaT Center For Human Genetics Tuebingen Variant Classification Criteria Version 2. Collection method: clinical testing. Allele origin: germline. Affected: yes. Observed: 1 variant allele.
Comment: SEMA6B: BP4, BP7

NM_032108.4(SEMA6B):c.909C>T (p.Asn303=)

Gene: SEMA6B (semaphorin 6B; minus strand). Cytogenetic location: 19p13.3.
Variant type: single nucleotide variant.
Coding change: c.909C>T on transcript NM_032108.4 (MANE Select); coding-DNA position 909, C replaced by T.
Protein change: p.Asn303=; no amino-acid change (asparagine 303 retained).
Molecular consequence: synonymous variant.
Genome position (GRCh38, 1-based): chr19:4,552,502, G>A on the plus strand (C>T on the coding strand, the complement: SEMA6B is on the minus strand). VCF-style: chr19-4552502-G-A. GRCh37 (hg19) VCF-style: chr19-4552514-G-A.
Identifiers: ClinVar variation 4872733 (VCV004872733.2).